The following is an entry in ClinVar:

NM_001009944.3(PKD1):c.6850C>T (p.Pro2284Ser)

Gene: PKD1 (polycystin 1, transient receptor potential channel interacting; minus strand). Cytogenetic location: 16p13.3.
Variant type: single nucleotide variant.
Coding change: c.6850C>T on transcript NM_001009944.3 (MANE Select); coding-DNA position 6850, C replaced by T.
Protein change: p.Pro2284Ser; replaces proline 2284 with serine.
Molecular consequence: missense variant.
Genome position (GRCh38, 1-based): chr16:2,108,317, G>A on the plus strand (C>T on the coding strand, the complement: PKD1 is on the minus strand). VCF-style: chr16-2108317-G-A. GRCh37 (hg19) VCF-style: chr16-2158318-G-A.
Other names: c.6850C>T, p.Pro2284Ser (NM_000296.4); short protein forms P2284S.
Identifiers: ClinVar variation 4981428 (VCV004981428.1).

ClinVar aggregate classification (germline): Uncertain significance (1 of 4 stars; one submission).

Conditions:
PKD1-related disorder. Also called: PKD1-related condition.

gnomAD v4.1: 4 of 1,603,786 alleles (0.00025%); highest among the groups gnomAD compares: Non-Finnish European, 0.00034%; no homozygotes.

Submission:

PreventionGenetics, part of Exact Sciences
Classification: Uncertain significance for PKD1-related condition. Last evaluated: 2025-11-01. Review status: criteria provided, single submitter. Criteria: ACMG Guidelines, 2015. Collection method: clinical testing. Allele origin: germline.
Comment: The PKD1 c.6850C>T variant is predicted to result in the amino acid substitution p.Pro2284Ser. To our knowledge, this variant has not been reported in the literature or in a large population database (gnomAD), indicating this variant is rare. At this time, the clinical significance of this variant is uncertain due to the absence of conclusive functional and genetic evidence.